The following is an entry in ClinVar:

ClinVar aggregate classification (germline): Pathogenic (1 of 4 stars; one submission).

Submission:

Labcorp Genetics (formerly Invitae), Labcorp
Classification: Pathogenic. Last evaluated: 2025-08-21. Review status: criteria provided, single submitter. Criteria: Invitae Variant Classification Sherloc (09022015). Collection method: clinical testing. Allele origin: germline.
Comment: This sequence change replaces glycine, which is neutral and non-polar, with valine, which is neutral and non-polar, at codon 776 of the COL4A1 protein (p.Gly776Val). This variant is not present in population databases (gnomAD no frequency). This missense change has been observed in individuals with clinical features of COL4A1-related conditions (PMID: 33737780; internal data). ClinVar contains an entry for this variant (Variation ID: 1467463). Invitae Evidence Modeling of protein sequence and biophysical properties (such as structural, functional, and spatial information, amino acid conservation, physicochemical variation, residue mobility, and thermodynamic stability) indicates that this missense variant is expected to disrupt COL4A1 protein function with a positive predictive value of 95%. This variant disrupts the triple helix domain of COL4A1. Glycine residues within the Gly-Xaa-Yaa repeats of the triple helix domain are required for the structure and stability of fibrillar collagens (PMID: 7695699, 8218237, 19344236). In COL4A1 variants affecting these glycine residues are significantly enriched in individuals with disease (PMID: 9016532, 17078022) compared to the general population (ExAC). For these reasons, this variant has been classified as Pathogenic.

Literature cited by the submitters: PubMed 33737780; PubMed 7695699; PubMed 8218237; PubMed 19344236; PubMed 9016532; PubMed 17078022.

NM_001845.6(COL4A1):c.2327G>T (p.Gly776Val)

Gene: COL4A1 (collagen type IV alpha 1 chain; minus strand). Cytogenetic location: 13q34.
Variant type: single nucleotide variant.
Coding change: c.2327G>T on transcript NM_001845.6 (MANE Select); coding-DNA position 2327, G replaced by T.
Protein change: p.Gly776Val; replaces glycine 776 with valine.
Molecular consequence: missense variant.
Genome position (GRCh38, 1-based): chr13:110,179,288, C>A on the plus strand (G>T on the coding strand, the complement: COL4A1 is on the minus strand). VCF-style: chr13-110179288-C-A. GRCh37 (hg19) VCF-style: chr13-110831635-C-A.
Other names: short protein forms G776V.
Identifiers: ClinVar variation 1467463 (VCV001467463.6), dbSNP rs2139165521, ClinGen allele CA388668558.
Genomic context (GRCh38, chr13:110,179,288, plus strand): 5'-ATCCTGTCCTCGAAACCCTCCAGACTGATCTGCATGAAGTTACCTCTGATCCCCTGAAGC[C>A]CAGGGGGTCCGATCGCTCCATGTTCTCCAGGAACGCCTGGTACCCCAATGCTCCCCTTCT-3'
Protein context (NP_001836.3, residues 766-786): PGEHGAIGPP[Gly776Val]LQGIRGEPGP